The following is an entry in ClinVar:

NM_001378452.1(ITPR1):c.5725+4A>T

Gene: ITPR1 (inositol 1,4,5-trisphosphate receptor type 1; plus strand). Cytogenetic location: 3p26.1.
Variant type: single nucleotide variant.
Coding change: c.5725+4A>T on transcript NM_001378452.1 (MANE Select); 4 bases into the intron after coding-DNA position 5725, A replaced by T.
Molecular consequence: intron variant.
Genome position (GRCh38, 1-based): chr3:4,766,714, A>T. VCF-style: chr3-4766714-A-T. GRCh37 (hg19) VCF-style: chr3-4808398-A-T.
Other names: c.5581+4A>T (NM_001099952.4); c.5680+4A>T (NM_001168272.2); c.5536+4A>T (NM_002222.7).
Identifiers: ClinVar variation 2707493 (VCV002707493.3), dbSNP rs2470038561, ClinGen allele CA2697550648.

ClinVar aggregate classification (germline): Uncertain significance (1 of 4 stars; one submission).

Submission:

Labcorp Genetics (formerly Invitae), Labcorp
Classification: Uncertain significance. Last evaluated: 2024-01-11. Review status: criteria provided, single submitter. Criteria: Invitae Variant Classification Sherloc (09022015). Collection method: clinical testing. Allele origin: germline.
Comment: This sequence change falls in intron 41 of the ITPR1 gene. It does not directly change the encoded amino acid sequence of the ITPR1 protein. It affects a nucleotide within the consensus splice site. This variant is not present in population databases (gnomAD no frequency). This variant has not been reported in the literature in individuals affected with ITPR1-related conditions. Variants that disrupt the consensus splice site are a relatively common cause of aberrant splicing (PMID: 17576681, 9536098). Algorithms developed to predict the effect of sequence changes on RNA splicing suggest that this variant is not likely to affect RNA splicing. In summary, the available evidence is currently insufficient to determine the role of this variant in disease. Therefore, it has been classified as a Variant of Uncertain Significance.

Literature cited by the submitters: PubMed 17576681; PubMed 9536098.